The following is an entry in ClinVar:

ClinVar aggregate classification (germline): Benign. Review status: criteria provided, multiple submitters, no conflicts (2 of 4 stars). 17 submissions from 16 submitters: Benign (12). 5 of the submissions do not count toward it. Last evaluated 2026-02-04.

Conditions:
Megacystis, microcolon, hypoperistalsis syndrome. Also called: Berdon syndrome; Megacystis-microcolon-intestinal hypoperistalsis syndrome. Identifiers: Orphanet 2241, MedGen C1608393, MONDO:0025986.
MYLK-related disorder. Also called: MYLK-related condition.
Familial thoracic aortic aneurysm and aortic dissection (TAAD). Also called: Thoracic aortic aneurysms and dissections. Identifiers: Orphanet 91387, MedGen C4707243, MONDO:0019625.
Aortic aneurysm, familial thoracic 7 (AAT7). Also called: AORTIC DISSECTION, FAMILIAL, WITH OR WITHOUT AORTIC ANEURYSM. Identifiers: MedGen C3151077, MONDO:0013418, OMIM 613780.

Allele frequency attached by ClinVar (database versions not stated): ESP Exome Variant Server 0.57435; gnomAD 0.59203 and 0.59903; TOPMed 0.60003; 1000 Genomes Project 30x 0.62570; 1000 Genomes Project 0.63279; ExAC 0.65665; gnomAD exomes 0.66218 and 0.66292.
gnomAD v4.1: 1,059,142 of 1,613,908 alleles (66%); highest among the groups gnomAD compares: East Asian, 94%; 352,566 homozygotes.

Submissions (17):

Labcorp Genetics (formerly Invitae), Labcorp
Classification: Benign for Aortic aneurysm, familial thoracic 7. Last evaluated: 2026-02-04. Review status: criteria provided, single submitter. Criteria: Invitae Variant Classification Sherloc (09022015). Collection method: clinical testing. Allele origin: germline.

Molecular Diagnostic Laboratory for Inherited Cardiovascular Disease, Montreal Heart Institute
Classification: Benign. Last evaluated: 2025-04-09. Review status: criteria provided, single submitter. Criteria: ACMG Guidelines, 2015. Collection method: clinical testing. Allele origin: germline. Affected: no.

Blueprint Genetics
Classification: Benign. Last evaluated: 2024-11-26. Review status: criteria provided, single submitter. Criteria: ACMG Guidelines, 2015. Collection method: clinical testing. Allele origin: germline.

Genome-Nilou Lab
Classification: Benign for Aortic aneurysm, familial thoracic 7. Last evaluated: 2021-09-05. Review status: criteria provided, single submitter. Criteria: ACMG Guidelines, 2015. Collection method: clinical testing. Allele origin: germline. Affected: no.

Genome-Nilou Lab
Classification: Benign for Megacystis-microcolon-intestinal hypoperistalsis syndrome 1. Last evaluated: 2021-09-05. Review status: criteria provided, single submitter. Criteria: ACMG Guidelines, 2015. Collection method: clinical testing. Allele origin: germline. Affected: no.

Women's Health and Genetics/Laboratory Corporation of America, LabCorp
Classification: Benign. Last evaluated: 2019-08-09. Review status: criteria provided, single submitter. Criteria: LabCorp Variant Classification Summary - May 2015. Collection method: clinical testing. Allele origin: germline.

Illumina Laboratory Services, Illumina
Classification: Benign for Aortic aneurysm, familial thoracic 7. Last evaluated: 2018-01-13. Review status: criteria provided, single submitter. Criteria: ICSL Variant Classification Criteria 13 December 2019. Collection method: clinical testing. Allele origin: germline.
Comment: This variant was observed in the ICSL laboratory as part of a predisposition screen in an ostensibly healthy population. It had not been previously curated by ICSL or reported in the Human Gene Mutation Database (HGMD: prior to June 1st, 2018), and was therefore a candidate for classification through an automated scoring system. Utilizing variant allele frequency, disease prevalence and penetrance estimates, and inheritance mode, an automated score was calculated to assess if this variant is too frequent to cause the disease. Based on the score and internal cut-off values, a variant classified as benign is not then subjected to further curation. The score for this variant resulted in a classification of benign for this disease.

GeneDx
Classification: Benign. Last evaluated: 2016-09-23. Review status: criteria provided, single submitter. Criteria: GeneDx Variant Classification (06012015). Collection method: clinical testing. Allele origin: germline. Affected: yes.
Comment: This variant is considered likely benign or benign based on one or more of the following criteria: it is a conservative change, it occurs at a poorly conserved position in the protein, it is predicted to be benign by multiple in silico algorithms, and/or has population frequency not consistent with disease.

Ambry Genetics
Classification: Benign for Familial thoracic aortic aneurysm and aortic dissection. Last evaluated: 2014-12-30. Review status: criteria provided, single submitter. Criteria: Ambry Variant Classification Scheme 2023. Collection method: clinical testing. Allele origin: germline.

Mayo Clinic Laboratories, Mayo Clinic
Classification: Benign. Last evaluated: 2014-02-05. Review status: criteria provided, single submitter. Criteria: ACMG Guidelines, 2015. Collection method: clinical testing. Allele origin: germline. Observed: 1,273 variant alleles.

Laboratory for Molecular Medicine, Mass General Brigham Personalized Medicine
Classification: Benign. Last evaluated: 2013-04-04. Review status: criteria provided, single submitter. Criteria: LMM Criteria. Collection method: clinical testing. Allele origin: germline. Observed: 33 variant alleles.
Comment: Thr335Thr in exon 10 of MYLK: This variant is not expected to have clinical sign ificance because it does not alter an amino acid residue and is not located with in the splice consensus sequence. It has been identified in 39.2% (1727/4406) of African American chromosomes from a broad population by the NHLBI Exome Sequenc ing Project (dbSNP rs4678047).

Breakthrough Genomics
Classification: Benign. Review status: criteria provided, single submitter. Criteria: ACMG Guidelines, 2015. Collection method: not provided. Allele origin: germline. Inheritance: Autosomal recessive inheritance. Affected: yes.

PreventionGenetics, part of Exact Sciences
Classification: Benign for MYLK-related condition. Last evaluated: 2022-09-30. Review status: no assertion criteria provided. Collection method: clinical testing. Allele origin: germline. Not counted in ClinVar's aggregate classification.
Comment: This variant is classified as benign based on ACMG/AMP sequence variant interpretation guidelines (Richards et al. 2015 PMID: 25741868, with internal and published modifications).

Clinical Genetics DNA and cytogenetics Diagnostics Lab, Erasmus MC, Erasmus Medical Center
Classification: Benign. Review status: no assertion criteria provided. Collection method: clinical testing. Allele origin: germline. Affected: yes. Study: VKGL Data-share Consensus. Not counted in ClinVar's aggregate classification.

Diagnostic Laboratory, Department of Genetics, University Medical Center Groningen
Classification: Benign for Aortic aneurysm, familial thoracic 7. Review status: no assertion criteria provided. Collection method: clinical testing. Allele origin: germline. Affected: yes. Study: VKGL Data-share Consensus. Not counted in ClinVar's aggregate classification.

Genome Diagnostics Laboratory, Amsterdam University Medical Center
Classification: Benign. Review status: no assertion criteria provided. Collection method: clinical testing. Allele origin: germline. Affected: yes. Study: VKGL Data-share Consensus. Not counted in ClinVar's aggregate classification.

Joint Genome Diagnostic Labs from Nijmegen and Maastricht, Radboudumc and MUMC+
Classification: Benign. Review status: no assertion criteria provided. Collection method: clinical testing. Allele origin: germline. Affected: yes. Study: VKGL Data-share Consensus. Not counted in ClinVar's aggregate classification.

NM_053025.4(MYLK):c.1005C>T (p.Thr335=)

Gene: MYLK (myosin light chain kinase; minus strand). Cytogenetic location: 3q21.1.
Variant type: single nucleotide variant.
Coding change: c.1005C>T on transcript NM_053025.4 (MANE Select); coding-DNA position 1005, C replaced by T.
Protein change: p.Thr335=; no amino-acid change (threonine 335 retained).
Molecular consequence: synonymous variant.
Genome position (GRCh38, 1-based): chr3:123,733,991, G>A on the plus strand (C>T on the coding strand, the complement: MYLK is on the minus strand). VCF-style: chr3-123733991-G-A. GRCh37 (hg19) VCF-style: chr3-123452838-G-A.
Other names: p.Thr335=; c.477C>T, p.Thr159= (NM_001321309.2); c.1005C>T, p.Thr335= (NM_053026.4, NM_053027.4, NM_053028.4).
Identifiers: ClinVar variation 226753 (VCV000226753.35), dbSNP rs4678047, ClinGen allele CA066599.